The following is an entry in ClinVar:

ClinVar aggregate classification (germline): Pathogenic (1 of 4 stars; one submission).

Conditions:
Hereditary breast ovarian cancer syndrome. Also called: BRCA1- and BRCA2-Associated Hereditary Breast and Ovarian Cancer; Hereditary breast and ovarian cancer syndrome (HBOC); Hereditary breast and/or ovarian cancer syndrome; Hereditary breast and ovarian cancer syndrome; Breast and ovarian cancer; Hereditary breast and ovarian cancer. Identifiers: Orphanet 145, MedGen C0677776, MeSH D061325, MONDO:0003582. Disease mechanism: loss of function.

Submission:

Labcorp Genetics (formerly Invitae), Labcorp
Classification: Pathogenic for Hereditary breast ovarian cancer syndrome. Last evaluated: 2023-07-17. Review status: criteria provided, single submitter. Criteria: Invitae Variant Classification Sherloc (09022015). Collection method: clinical testing. Allele origin: germline.
Comment: For these reasons, this variant has been classified as Pathogenic. ClinVar contains an entry for this variant (Variation ID: 51508). This variant has not been reported in the literature in individuals affected with BRCA2-related conditions. This variant is not present in population databases (gnomAD no frequency). This sequence change creates a premature translational stop signal (p.Phe11Leufs*4) in the BRCA2 gene. It is expected to result in an absent or disrupted protein product. Loss-of-function variants in BRCA2 are known to be pathogenic (PMID: 20104584).

Literature cited by the submitters: PubMed 20104584.

NM_000059.4(BRCA2):c.33_34delinsA (p.Phe11fs)

Gene: BRCA2 (BRCA2 DNA repair associated; plus strand). Cytogenetic location: 13q13.1.
Variant type: Indel.
Coding change: c.33_34delinsA on transcript NM_000059.4 (MANE Select); coding-DNA positions 33 to 34, TT replaced by A.
Protein change: p.Phe11fs; shifts the reading frame from phenylalanine 11.
Molecular consequence: frameshift variant. On other transcripts: non-coding transcript variant (1), intron variant (1).
Genome position (GRCh38, 1-based): chr13:32,316,493-32,316,494, TT replaced by A. VCF-style: chr13-32316493-TT-A. GRCh37 (hg19) VCF-style: chr13-32890630-TT-A.
Other names: c.33_34delinsA, p.Phe11fs (NM_001406719.1, NM_001406720.1, NM_001406721.1); c.-303+826_-303+827delinsA (NM_001406722.1); short protein forms F11fs.
Identifiers: ClinVar variation 3010804 (VCV003010804.3), dbSNP rs2548509765, ClinGen allele CA2740097651.